The following is an entry in ClinVar:

ClinVar aggregate classification (germline): Uncertain significance (1 of 4 stars; one submission).

Submission:

Labcorp Genetics (formerly Invitae), Labcorp
Classification: Uncertain significance. Last evaluated: 2025-04-28. Review status: criteria provided, single submitter. Criteria: Invitae Variant Classification Sherloc (09022015). Collection method: clinical testing. Allele origin: germline.
Comment: This sequence change replaces asparagine, which is neutral and polar, with histidine, which is basic and polar, at codon 365 of the KIF20A protein (p.Asn365His). This variant is not present in population databases (gnomAD no frequency). This variant has not been reported in the literature in individuals affected with KIF20A-related conditions. ClinVar contains an entry for this variant (Variation ID: 2772787). An algorithm developed to predict the effect of missense changes on protein structure and function (PolyPhen-2) suggests that this variant is likely to be disruptive. In summary, the available evidence is currently insufficient to determine the role of this variant in disease. Therefore, it has been classified as a Variant of Uncertain Significance.

NM_005733.3(KIF20A):c.1093A>C (p.Asn365His)

Gene: KIF20A (kinesin family member 20A; plus strand). Cytogenetic location: 5q31.2.
Variant type: single nucleotide variant.
Coding change: c.1093A>C on transcript NM_005733.3 (MANE Select); coding-DNA position 1093, A replaced by C.
Protein change: p.Asn365His; replaces asparagine 365 with histidine.
Molecular consequence: missense variant.
Genome position (GRCh38, 1-based): chr5:138,183,535, A>C. VCF-style: chr5-138183535-A-C. GRCh37 (hg19) VCF-style: chr5-137519224-A-C.
Other names: short protein forms N365H.
Identifiers: ClinVar variation 2772787 (VCV002772787.3), dbSNP rs2482182397, ClinGen allele CA361115112.